The following is an entry in ClinVar:

NM_000368.5(TSC1):c.969A>G (p.Pro323=)

Gene: TSC1 (TSC complex subunit 1; minus strand). Cytogenetic location: 9q34.13.
Variant type: single nucleotide variant.
Coding change: c.969A>G on transcript NM_000368.5 (MANE Select); coding-DNA position 969, A replaced by G.
Protein change: p.Pro323=; no amino-acid change (proline 323 retained).
Molecular consequence: synonymous variant.
Genome position (GRCh38, 1-based): chr9:132,911,513, T>C on the plus strand (A>G on the coding strand, the complement: TSC1 is on the minus strand). VCF-style: chr9-132911513-T-C. GRCh37 (hg19) VCF-style: chr9-135786900-T-C.
Other names: c.969A>G, p.Pro323= (NM_001162426.2); c.816A>G, p.Pro272= (NM_001162427.2); c.606A>G, p.Pro202= (NM_001362177.2).
Identifiers: ClinVar variation 1118029 (VCV001118029.12), dbSNP rs1418510093, ClinGen allele CA467593475.

ClinVar aggregate classification (germline): Benign/Likely benign. Review status: criteria provided, multiple submitters, no conflicts (2 of 4 stars). 3 submissions from 3 submitters: Benign (1); Likely benign (2). Last evaluated 2025-04-09.

Conditions:
Hereditary cancer-predisposing syndrome. Also called: Neoplastic Syndromes, Hereditary; Hereditary Cancer Syndrome; Hereditary neoplastic syndrome; Tumor predisposition. Identifiers: Orphanet 140162, MedGen C0027672, MeSH D009386, MONDO:0015356.
Tuberous sclerosis 1 (TSC1). Identifiers: Orphanet 805, MedGen C1854465, MONDO:0008612, OMIM 191100.

Allele frequency attached by ClinVar (database versions not stated): gnomAD exomes below 0.00001.
gnomAD v4.1: 1 of 1,613,202 alleles (0.000062%); highest among the groups gnomAD compares: Admixed American, 0.0017%; no homozygotes.

Submissions (3):

Myriad Genetics, Inc.
Classification: Benign for Tuberous sclerosis 1. Last evaluated: 2025-04-09. Review status: criteria provided, single submitter. Criteria: Myriad Autosomal Dominant, Autosomal Recessive and X-Linked Classification Criteria (2023). Collection method: clinical testing. Allele origin: unknown.
Comment: This variant is considered benign. This variant is a silent/synonymous amino acid change and it is not expected to impact splicing.

Labcorp Genetics (formerly Invitae), Labcorp
Classification: Likely benign for Tuberous sclerosis 1. Last evaluated: 2024-06-21. Review status: criteria provided, single submitter. Criteria: Invitae Variant Classification Sherloc (09022015). Collection method: clinical testing. Allele origin: germline.

Ambry Genetics
Classification: Likely benign for Hereditary cancer-predisposing syndrome. Last evaluated: 2021-10-27. Review status: criteria provided, single submitter. Criteria: Ambry Variant Classification Scheme 2023. Collection method: clinical testing. Allele origin: germline.